The following is an entry in ClinVar:

NM_206933.4(USH2A):c.6367T>C (p.Cys2123Arg)

Gene: USH2A (usherin; minus strand). Cytogenetic location: 1q41.
Variant type: single nucleotide variant.
Coding change: c.6367T>C on transcript NM_206933.4 (MANE Select); coding-DNA position 6367, T replaced by C.
Protein change: p.Cys2123Arg; replaces cysteine 2123 with arginine.
Molecular consequence: missense variant.
Genome position (GRCh38, 1-based): chr1:216,000,521, A>G on the plus strand (T>C on the coding strand, the complement: USH2A is on the minus strand). VCF-style: chr1-216000521-A-G. GRCh37 (hg19) VCF-style: chr1-216173863-A-G.
Other names: short protein forms C2123R.
Identifiers: ClinVar variation 1461441 (VCV001461441.4), dbSNP rs1668244820, ClinGen allele CA344861900.

ClinVar aggregate classification (germline): Uncertain significance (1 of 4 stars; one submission).

Submission:

Labcorp Genetics (formerly Invitae), Labcorp
Classification: Uncertain significance. Last evaluated: 2025-02-19. Review status: criteria provided, single submitter. Criteria: Invitae Variant Classification Sherloc (09022015). Collection method: clinical testing. Allele origin: germline.
Comment: This sequence change replaces cysteine, which is neutral and slightly polar, with arginine, which is basic and polar, at codon 2123 of the USH2A protein (p.Cys2123Arg). This variant is not present in population databases (gnomAD no frequency). This missense change has been observed in individual(s) with retinitis pigmentosa (internal data). ClinVar contains an entry for this variant (Variation ID: 1461441). Invitae Evidence Modeling of protein sequence and biophysical properties (such as structural, functional, and spatial information, amino acid conservation, physicochemical variation, residue mobility, and thermodynamic stability) indicates that this missense variant is expected to disrupt USH2A protein function with a positive predictive value of 95%. In summary, the available evidence is currently insufficient to determine the role of this variant in disease. Therefore, it has been classified as a Variant of Uncertain Significance.